The following is an entry in ClinVar:

ClinVar aggregate classification (germline): Uncertain significance (1 of 4 stars; one submission).

Allele frequency attached by ClinVar (database versions not stated): gnomAD 0.00002; TOPMed 0.00006.
gnomAD v4.1: 68 of 1,586,438 alleles (0.0043%); highest among the groups gnomAD compares: South Asian, 0.039%; 1 homozygote.

Submission:

Labcorp Genetics (formerly Invitae), Labcorp
Classification: Uncertain significance. Last evaluated: 2025-01-12. Review status: criteria provided, single submitter. Criteria: Invitae Variant Classification Sherloc (09022015). Collection method: clinical testing. Allele origin: germline.
Comment: This sequence change replaces arginine, which is basic and polar, with glutamine, which is neutral and polar, at codon 1202 of the ERBIN protein (p.Arg1202Gln). The frequency data for this variant in the population databases is considered unreliable, as metrics indicate poor data quality at this position in the gnomAD database. This missense change has been observed in individual(s) with autism spectrum disorder (PMID: 28191889). ClinVar contains an entry for this variant (Variation ID: 1016251). An algorithm developed to predict the effect of missense changes on protein structure and function (PolyPhen-2) suggests that this variant is likely to be disruptive. In summary, the available evidence is currently insufficient to determine the role of this variant in disease. Therefore, it has been classified as a Variant of Uncertain Significance.

Literature cited by the submitters: PubMed 28191889.

NM_001253697.2(ERBIN):c.3605G>A (p.Arg1202Gln)

Gene: ERBIN (erbb2 interacting protein; plus strand). Cytogenetic location: 5q12.3.
Variant type: single nucleotide variant.
Coding change: c.3605G>A on transcript NM_001253697.2 (MANE Select); coding-DNA position 3605, G replaced by A.
Protein change: p.Arg1202Gln; replaces arginine 1202 with glutamine.
Molecular consequence: missense variant.
Genome position (GRCh38, 1-based): chr5:66,054,923, G>A. VCF-style: chr5-66054923-G-A. GRCh37 (hg19) VCF-style: chr5-65350751-G-A.
Other names: c.3605G>A, p.Arg1202Gln (NM_001006600.3, NM_001253698.2, NM_001253699.2 and 1 more transcripts); c.3593G>A, p.Arg1198Gln (NM_001253701.2); short protein forms R1198Q, R1202Q.
Identifiers: ClinVar variation 1016251 (VCV001016251.8), dbSNP rs138617538, ClinGen allele CA3286685.